The following is an entry in ClinVar:

ClinVar aggregate classification (germline): Uncertain significance (1 of 4 stars; one submission).

Conditions:
Joubert syndrome. Also called: JOUBERT-BOLTSHAUSER SYNDROME; Familial aplasia of the vermis. Identifiers: Orphanet 475, MedGen C5979921, MONDO:0018772.
Meckel-Gruber syndrome. Also called: DYSENCEPHALIA SPLANCHNOCYSTICA; GRUBER SYNDROME; Dysencephalia splachnocystica. Identifiers: Orphanet 564, MedGen C0265215, MONDO:0018921.

Allele frequency attached by ClinVar (database versions not stated): TOPMed below 0.00001; gnomAD 0.00001; gnomAD exomes 0.00001.
gnomAD v4.1: 6 of 1,612,850 alleles (0.00037%); highest among the groups gnomAD compares: Admixed American, 0.0067%; no homozygotes.

Submission:

Labcorp Genetics (formerly Invitae), Labcorp
Classification: Uncertain significance for Joubert syndrome; Meckel-Gruber syndrome. Last evaluated: 2024-01-02. Review status: criteria provided, single submitter. Criteria: Invitae Variant Classification Sherloc (09022015). Collection method: clinical testing. Allele origin: germline.
Comment: This sequence change replaces tyrosine, which is neutral and polar, with histidine, which is basic and polar, at codon 438 of the CC2D2A protein (p.Tyr438His). This variant is present in population databases (no rsID available, gnomAD 0.009%). This variant has not been reported in the literature in individuals affected with CC2D2A-related conditions. ClinVar contains an entry for this variant (Variation ID: 2149951). Advanced modeling of protein sequence and biophysical properties (such as structural, functional, and spatial information, amino acid conservation, physicochemical variation, residue mobility, and thermodynamic stability) performed at Invitae indicates that this missense variant is not expected to disrupt CC2D2A protein function with a negative predictive value of 95%. In summary, the available evidence is currently insufficient to determine the role of this variant in disease. Therefore, it has been classified as a Variant of Uncertain Significance.

NM_001378615.1(CC2D2A):c.1312T>C (p.Tyr438His)

Genes: CC2D2A (coiled-coil and C2 domain containing 2A; plus strand), FBXL5 (F-box and leucine rich repeat protein 5; minus strand). Cytogenetic location: 4p15.32.
Variant type: single nucleotide variant.
Coding change: c.1312T>C on transcript NM_001378615.1 (MANE Select); coding-DNA position 1312, T replaced by C.
Protein change: p.Tyr438His; replaces tyrosine 438 with histidine.
Molecular consequence: missense variant.
Genome position (GRCh38, 1-based): chr4:15,527,609, T>C. VCF-style: chr4-15527609-T-C. GRCh37 (hg19) VCF-style: chr4-15529232-T-C.
Other names: c.1312T>C, p.Tyr438His (NM_001080522.2); c.1165T>C, p.Tyr389His (NM_001378617.1); short protein forms Y389H, Y438H.
Identifiers: ClinVar variation 2149951 (VCV002149951.4), dbSNP rs940437696, ClinGen allele CA92524553.